The following is an entry in ClinVar:

NM_004006.3(DMD):c.1015_1018del (p.Val339fs)

Gene: DMD (dystrophin; minus strand). Cytogenetic location: Xp21.1.
Variant type: Deletion.
Coding change: c.1015_1018del on transcript NM_004006.3 (MANE Select); coding-DNA positions 1015 to 1018, 4 bases deleted (GTAA; older notation c.1015_1018delGTAA).
Protein change: p.Val339fs; shifts the reading frame from valine 339.
Molecular consequence: frameshift variant.
Genome position (GRCh38, 1-based): chrX:32,645,095-32,645,098, TTAC deleted on the plus strand (GTAA on the coding strand, the reverse complement: DMD is on the minus strand); deleting any 4 consecutive bases within chrX:32,645,095-32,645,100 gives the same sequence; the c. name uses the placement nearest the transcript's 3' end. VCF-style (leftmost placement, unchanged base first): chrX-32645094-TTTAC-T. GRCh37 (hg19) VCF-style: chrX-32663211-TTTAC-T.
Other names: c.991_994del, p.Val331fs (NM_000109.4); c.1003_1006del, p.Val335fs (NM_004009.3); c.646_649del, p.Val216fs (NM_004010.3); c.1015_1018delGTAA (NM_004006.2); short protein forms V216fs, V331fs, V335fs, V339fs.
Identifiers: ClinVar variation 4613980 (VCV004613980.1).

ClinVar aggregate classification (germline): Pathogenic (1 of 4 stars; one submission).

Conditions:
Cardiovascular phenotype. Identifiers: MedGen CN230736.

Submission:

Ambry Genetics
Classification: Pathogenic for Cardiovascular phenotype. Last evaluated: 2025-12-02. Review status: criteria provided, single submitter. Criteria: Ambry Variant Classification Scheme 2023. Collection method: clinical testing. Allele origin: germline.
Comment: The c.1015_1018delGTAA pathogenic mutation, located in coding exon 10 of the DMD gene, results from a deletion of 4 nucleotides at nucleotide positions 1015 to 1018, causing a translational frameshift with a predicted alternate stop codon (p.V339Tfs*9). This variant was reported in individual(s) with features consistent with dilated cardiomyopathy (Ambry internal data). This variant is considered to be rare based on population cohorts in the Genome Aggregation Database (gnomAD). This alteration is expected to result in loss of function by premature protein truncation or nonsense-mediated mRNA decay. As such, this alteration is interpreted as a disease-causing mutation.